The following is an entry in ClinVar:

NM_017934.7(PHIP):c.4207-5C>T

Genes: IRAK1BP1 (interleukin 1 receptor associated kinase 1 binding protein 1; plus strand), PHIP (PHIP subunit of CUL4-Ring ligase complex; minus strand). Cytogenetic location: 6q14.1.
Variant type: single nucleotide variant.
Coding change: c.4207-5C>T on transcript NM_017934.7 (MANE Select); 5 bases into the intron before coding-DNA position 4207, C replaced by T.
Molecular consequence: intron variant.
Genome position (GRCh38, 1-based): chr6:78,946,879, G>A on the plus strand (C>T on the coding strand, the complement: PHIP is on the minus strand). VCF-style: chr6-78946879-G-A. GRCh37 (hg19) VCF-style: chr6-79656596-G-A.
Other names: c.4207-5C>T (NM_017934.6).
Identifiers: ClinVar variation 2016200 (VCV002016200.30), dbSNP rs200693117, ClinGen allele CA3899491.

ClinVar aggregate classification (germline): Likely benign. Review status: criteria provided, multiple submitters, no conflicts (2 of 4 stars). 4 submissions from 4 submitters: Likely benign (3). 1 of the submissions does not count toward it. Last evaluated 2026-01-12.

Conditions:
Inborn genetic diseases. Identifiers: MedGen C0950123, MeSH D030342.
PHIP-related disorder. Also called: PHIP-related condition; PHIP-related disorders.

Allele frequency attached by ClinVar (database versions not stated): ESP Exome Variant Server 0.00038; gnomAD 0.00040; ExAC 0.00041; 1000 Genomes Project 30x 0.00047; TOPMed 0.00051; 1000 Genomes Project 0.00060.
gnomAD v4.1: 768 of 1,533,800 alleles (0.05%); highest among the groups gnomAD compares: Admixed American, 0.092%; 1 homozygote.

Submissions (4):

Labcorp Genetics (formerly Invitae), Labcorp
Classification: Likely benign. Last evaluated: 2026-01-12. Review status: criteria provided, single submitter. Criteria: Invitae Variant Classification Sherloc (09022015). Collection method: clinical testing. Allele origin: germline.

CeGaT Center for Human Genetics Tuebingen
Classification: Likely benign. Last evaluated: 2025-10-01. Review status: criteria provided, single submitter. Criteria: CeGaT Center For Human Genetics Tuebingen Variant Classification Criteria Version 2. Collection method: clinical testing. Allele origin: germline. Affected: yes. Observed: 3 variant alleles.
Comment: PHIP: BP4, BS2

Ambry Genetics
Classification: Likely benign for Inborn genetic diseases. Last evaluated: 2021-06-06. Review status: criteria provided, single submitter. Criteria: Ambry Variant Classification Scheme 2023. Collection method: clinical testing. Allele origin: germline.

PreventionGenetics, part of Exact Sciences
Classification: Likely benign for PHIP-related condition. Last evaluated: 2023-09-14. Review status: no assertion criteria provided. Collection method: clinical testing. Allele origin: germline. Not counted in ClinVar's aggregate classification.
Comment: This variant is classified as likely benign based on ACMG/AMP sequence variant interpretation guidelines (Richards et al. 2015 PMID: 25741868, with internal and published modifications).